The following is an entry in ClinVar:

ClinVar aggregate classification (germline): Uncertain significance. Review status: criteria provided, multiple submitters, no conflicts (2 of 4 stars). 2 submissions from 2 submitters: Uncertain significance (2). Last evaluated 2026-04-17.

Conditions:
Aortic aneurysm, familial thoracic 7 (AAT7). Also called: AORTIC DISSECTION, FAMILIAL, WITH OR WITHOUT AORTIC ANEURYSM. Identifiers: MedGen C3151077, MONDO:0013418, OMIM 613780.
MYLK-related disorder. Also called: MYLK-related condition.

Submissions (2):

PreventionGenetics, part of Exact Sciences
Classification: Uncertain significance for MYLK-related condition. Last evaluated: 2026-04-17. Review status: criteria provided, single submitter. Criteria: ACMG Guidelines, 2015. Collection method: clinical testing. Allele origin: germline.
Comment: The MYLK c.4915_4916delinsAC variant is predicted to result in an in-frame deletion and insertion. To our knowledge, this variant has not been reported in the literature or in a large population database (gnomAD), indicating this variant is rare. At this time, the clinical significance of this variant is uncertain due to the absence of conclusive functional and genetic evidence.

Labcorp Genetics (formerly Invitae), Labcorp
Classification: Uncertain significance for Aortic aneurysm, familial thoracic 7. Last evaluated: 2025-12-06. Review status: criteria provided, single submitter. Criteria: Invitae Variant Classification Sherloc (09022015). Collection method: clinical testing. Allele origin: germline.
Comment: This sequence change replaces glycine, which is neutral and non-polar, with threonine, which is neutral and polar, at codon 1639 of the MYLK protein (p.Gly1639Thr). This variant is present in population databases (no rsID available, gnomAD 0.0007%). This variant has not been reported in the literature in individuals affected with MYLK-related conditions. ClinVar contains an entry for this variant (Variation ID: 1519254). An algorithm developed to predict the effect of missense changes on protein structure and function (PolyPhen-2) suggests that this variant is likely to be disruptive. In summary, the available evidence is currently insufficient to determine the role of this variant in disease. Therefore, it has been classified as a Variant of Uncertain Significance.

NM_053025.4(MYLK):c.4915_4916delinsAC (p.Gly1639Thr)

Gene: MYLK (myosin light chain kinase; minus strand). Cytogenetic location: 3q21.1.
Variant type: Indel.
Coding change: c.4915_4916delinsAC on transcript NM_053025.4 (MANE Select); coding-DNA positions 4915 to 4916, GG replaced by AC.
Protein change: p.Gly1639Thr; replaces glycine 1639 with threonine.
Molecular consequence: missense variant.
Genome position (GRCh38, 1-based): chr3:123,638,116-123,638,117, CC replaced by GT on the plus strand (GG replaced by AC on the coding strand, the reverse complement: MYLK is on the minus strand). VCF-style: chr3-123638116-CC-GT. GRCh37 (hg19) VCF-style: chr3-123356963-CC-GT.
Other names: c.4387_4388delinsAC, p.Gly1463Thr (NM_001321309.2); c.4708_4709delinsAC, p.Gly1570Thr (NM_053026.4, NM_053028.4); c.4915_4916delinsAC, p.Gly1639Thr (NM_053027.4); c.4915_4916delinsAC (NM_053025.3); short protein forms G1639T, G1463T, G1570T.
Identifiers: ClinVar variation 1519254 (VCV001519254.7), dbSNP rs2108088792, ClinGen allele CA2573136417.